The following is an entry in ClinVar:

NM_020778.5(ALPK3):c.3194G>A (p.Gly1065Asp)

Gene: ALPK3 (alpha kinase 3; plus strand). Cytogenetic location: 15q25.3.
Variant type: single nucleotide variant.
Coding change: c.3194G>A on transcript NM_020778.5 (MANE Select); coding-DNA position 3194, G replaced by A.
Protein change: p.Gly1065Asp; replaces glycine 1065 with aspartic acid.
Molecular consequence: missense variant.
Genome position (GRCh38, 1-based): chr15:84,857,932, G>A. VCF-style: chr15-84857932-G-A. GRCh37 (hg19) VCF-style: chr15-85401163-G-A.
Other names: short protein forms G1065D.
Identifiers: ClinVar variation 3008093 (VCV003008093.3), dbSNP rs770821477, ClinGen allele CA7709574.

ClinVar aggregate classification (germline): Uncertain significance (1 of 4 stars; one submission).

Allele frequency attached by ClinVar (database versions not stated): gnomAD exomes below 0.00001; ExAC 0.00001.
gnomAD v4.1: 1 of 1,609,914 alleles (0.000062%); highest among the groups gnomAD compares: South Asian, 0.0011%; no homozygotes.

Submission:

Labcorp Genetics (formerly Invitae), Labcorp
Classification: Uncertain significance. Last evaluated: 2023-11-02. Review status: criteria provided, single submitter. Criteria: Invitae Variant Classification Sherloc (09022015). Collection method: clinical testing. Allele origin: germline.
Comment: This sequence change replaces glycine, which is neutral and non-polar, with aspartic acid, which is acidic and polar, at codon 1267 of the ALPK3 protein (p.Gly1267Asp). This variant is present in population databases (rs770821477, gnomAD 0.003%). This variant has not been reported in the literature in individuals affected with ALPK3-related conditions. An algorithm developed to predict the effect of missense changes on protein structure and function (PolyPhen-2) suggests that this variant is likely to be disruptive. In summary, the available evidence is currently insufficient to determine the role of this variant in disease. Therefore, it has been classified as a Variant of Uncertain Significance.